The following is an entry in ClinVar:

NM_022455.5(NSD1):c.2831G>A (p.Cys944Tyr)

Gene: NSD1 (nuclear receptor binding SET domain protein 1; plus strand). Cytogenetic location: 5q35.3.
Variant type: single nucleotide variant.
Coding change: c.2831G>A on transcript NM_022455.5 (MANE Select); coding-DNA position 2831, G replaced by A.
Protein change: p.Cys944Tyr; replaces cysteine 944 with tyrosine.
Molecular consequence: missense variant.
Genome position (GRCh38, 1-based): chr5:177,211,230, G>A. VCF-style: chr5-177211230-G-A. GRCh37 (hg19) VCF-style: chr5-176638231-G-A.
Other names: c.1958G>A, p.Cys653Tyr (NM_001365684.2, NM_001409306.1, NM_001409307.1 and 3 more transcripts); c.2831G>A, p.Cys944Tyr (NM_001409301.1, NM_001409302.1, NM_001409303.1); c.2411G>A, p.Cys804Tyr (NM_001409304.1); c.2078G>A, p.Cys693Tyr (NM_001409305.1); short protein forms C653Y, C693Y, C804Y, C944Y.
Identifiers: ClinVar variation 2571904 (VCV002571904.1), dbSNP rs2149846367, ClinGen allele CA362320566.

ClinVar aggregate classification (germline): Uncertain significance (1 of 4 stars; one submission).

Allele frequency attached by ClinVar (database versions not stated): gnomAD exomes 0.00001.
gnomAD v4.1: 20 of 1,614,010 alleles (0.0012%); highest among the groups gnomAD compares: Non-Finnish European, 0.0016%; no homozygotes.

Submission:

GeneDx
Classification: Uncertain significance. Last evaluated: 2023-01-04. Review status: criteria provided, single submitter. Criteria: GeneDx Variant Classification Process June 2021. Collection method: clinical testing. Allele origin: germline. Affected: yes.
Comment: Identified in a fetus with isolated congenital diaphragmatic hernia (Kammoun et al., 2018); Not observed at significant frequency in large population cohorts (gnomAD); In silico analysis supports that this missense variant does not alter protein structure/function; This variant is associated with the following publications: (PMID: 29966037)